The following is an entry in ClinVar:

NM_006949.4(STXBP2):c.1356+4C>A

Gene: STXBP2 (syntaxin binding protein 2; plus strand). Cytogenetic location: 19p13.2.
Variant type: single nucleotide variant.
Coding change: c.1356+4C>A on transcript NM_006949.4 (MANE Select); 4 bases into the intron after coding-DNA position 1356, C replaced by A.
Molecular consequence: intron variant.
Genome position (GRCh38, 1-based): chr19:7,645,310, C>A. VCF-style: chr19-7645310-C-A. GRCh37 (hg19) VCF-style: chr19-7710196-C-A.
Other names: c.1389+4C>A (NM_001272034.2); c.1347+4C>A (NM_001127396.3).
Identifiers: ClinVar variation 1501133 (VCV001501133.6), dbSNP rs369000333, ClinGen allele CA9144096.

ClinVar aggregate classification (germline): Uncertain significance (1 of 4 stars; one submission).

Conditions:
Familial hemophagocytic lymphohistiocytosis 5. Also called: STXBP2-Related Familial Hemophagocytic Lymphohistiocytosis (STXBP2-fHLH). Identifiers: Orphanet 540, MedGen C2751293, MONDO:0013135, OMIM 613101.

gnomAD v4.1: 16 of 1,576,236 alleles (0.001%); highest among the groups gnomAD compares: South Asian, 0.019%; no homozygotes.

Submission:

Labcorp Genetics (formerly Invitae), Labcorp
Classification: Uncertain significance for Familial hemophagocytic lymphohistiocytosis 5. Last evaluated: 2024-10-24. Review status: criteria provided, single submitter. Criteria: Invitae Variant Classification Sherloc (09022015). Collection method: clinical testing. Allele origin: germline.
Comment: This sequence change falls in intron 15 of the STXBP2 gene. It does not directly change the encoded amino acid sequence of the STXBP2 protein. It affects a nucleotide within the consensus splice site. The frequency data for this variant in the population databases is considered unreliable, as metrics indicate poor data quality at this position in the gnomAD database. This variant has not been reported in the literature in individuals affected with STXBP2-related conditions. ClinVar contains an entry for this variant (Variation ID: 1501133). Variants that disrupt the consensus splice site are a relatively common cause of aberrant splicing (PMID: 17576681, 9536098). Algorithms developed to predict the effect of sequence changes on RNA splicing suggest that this variant is not likely to affect RNA splicing. In summary, the available evidence is currently insufficient to determine the role of this variant in disease. Therefore, it has been classified as a Variant of Uncertain Significance.

Literature cited by the submitters: PubMed 17576681; PubMed 9536098.